The following is an entry in ClinVar:

NM_001113378.2(FANCI):c.1641_1642dup (p.Lys548fs)

Gene: FANCI (FA complementation group I; plus strand). Cytogenetic location: 15q26.1.
Variant type: Duplication.
Coding change: c.1641_1642dup on transcript NM_001113378.2 (MANE Select); coding-DNA positions 1641 to 1642, 2 bases duplicated (TA; older notation c.1641_1642dupTA).
Protein change: p.Lys548fs; shifts the reading frame from lysine 548.
Molecular consequence: frameshift variant.
Genome position (GRCh38, 1-based): chr15:89,283,193-89,283,194, TA duplicated. VCF-style (leftmost placement, unchanged base first): chr15-89283192-T-TTA. GRCh37 (hg19) VCF-style: chr15-89826423-T-TTA.
Other names: c.1641_1642dup, p.Lys548fs (NM_018193.3, NM_001376911.1); c.1362_1363dup, p.Lys455fs (NM_001376910.1); short protein forms K455fs, K548fs.
Identifiers: ClinVar variation 2675635 (VCV002675635.4), dbSNP rs2506958652, ClinGen allele CA2575827697.

ClinVar aggregate classification (germline): Pathogenic/Likely pathogenic. Review status: criteria provided, multiple submitters, no conflicts (2 of 4 stars). 2 submissions from 2 submitters: Pathogenic (1); Likely pathogenic (1). Last evaluated 2023-08-04.

Conditions:
Fanconi anemia (FA). Also called: Fanconi's anemia. Identifiers: Orphanet 84, MedGen C0015625, MeSH D005199, MONDO:0019391.
Fanconi anemia complementation group I (FANCI). Also called: FANCI-Related Fanconi Anemia. Identifiers: Orphanet 84, MedGen C1836861, MONDO:0012186, OMIM 609053.

Allele frequency attached by ClinVar (database versions not stated): gnomAD exomes 0.00001.

Submissions (2):

Labcorp Genetics (formerly Invitae), Labcorp
Classification: Pathogenic for Fanconi anemia. Last evaluated: 2023-08-04. Review status: criteria provided, single submitter. Criteria: Invitae Variant Classification Sherloc (09022015). Collection method: clinical testing. Allele origin: germline.
Comment: This sequence change creates a premature translational stop signal (p.Lys548Ilefs*4) in the FANCI gene. It is expected to result in an absent or disrupted protein product. Loss-of-function variants in FANCI are known to be pathogenic (PMID: 17452773, 17460694). This variant is not present in population databases (gnomAD no frequency). This variant has not been reported in the literature in individuals affected with FANCI-related conditions. Algorithms developed to predict the effect of sequence changes on RNA splicing suggest that this variant may disrupt the consensus splice site. For these reasons, this variant has been classified as Pathogenic.

Baylor Genetics
Classification: Likely pathogenic for Fanconi anemia complementation group I. Last evaluated: 2023-02-08. Review status: criteria provided, single submitter. Criteria: ACMG Guidelines, 2015. Collection method: clinical testing. Allele origin: unknown.

Literature cited by the submitters: PubMed 17452773 (cited by Labcorp Genetics (formerly Invitae), Labcorp); PubMed 17460694 (cited by Labcorp Genetics (formerly Invitae), Labcorp).